The following is an entry in ClinVar:

ClinVar aggregate classification (germline): Uncertain significance (1 of 4 stars; one submission).

Submission:

Labcorp Genetics (formerly Invitae), Labcorp
Classification: Uncertain significance. Last evaluated: 2024-09-05. Review status: criteria provided, single submitter. Criteria: Invitae Variant Classification Sherloc (09022015). Collection method: clinical testing. Allele origin: germline.
Comment: This sequence change falls in intron 4 of the EIF2B4 gene. It does not directly change the encoded amino acid sequence of the EIF2B4 protein. This variant is not present in population databases (gnomAD no frequency). This variant has not been reported in the literature in individuals affected with EIF2B4-related conditions. Experimental studies and prediction algorithms are not available or were not evaluated, and the effect of this variant on mRNA splicing is currently unknown. In summary, the available evidence is currently insufficient to determine the role of this variant in disease. Therefore, it has been classified as a Variant of Uncertain Significance.

NM_001034116.2(EIF2B4):c.418+18_418+19insCTTCCCTTCATTTTTTTTTTTTTTTTTTTTTTTTNNNNNNNNNNGAGAGGGAGAGGGAGACGGGAGAGGGAGAGGGAGACGGGAGAGGGAGAGGGAGACGGGAGAGGGAGAGGGAGACC

Gene: EIF2B4 (eukaryotic translation initiation factor 2B subunit delta; minus strand). Cytogenetic location: 2p23.3.
Variant type: Microsatellite.
Coding change: c.418+18_418+19insCTTCCCTTCATTTTTTTTTTTTTTTTTTTTTTTTNNNNNNNNNNGAGAGGGAGAGGGAGACGGGAGAGGGAGAGGGAGACGGGAGAGGGAGAGGGAGACGGGAGAGGGAGAGGGAGACC on transcript NM_001034116.2 (MANE Select); bases 18 to 19 of the intron after coding-DNA position 418, CTTCCCTTCATTTTTTTTTTTTTTTTTTTTTTTTNNNNNNNNNNGAGAGGGAGAGGGAGACGGGAGAGGGAGAGGGAGACGGGAGAGGGAGAGGGAGACGGGAGAGGGAGAGGGAGACC inserted.
Molecular consequence: intron variant.
Genome position: GRCh38: chr2:27,368,988-27,369,001. GRCh37 (hg19), VCF-style position (the base before the change): chr2:27,591,854.
Other names: c.325+18_325+19insCTTCCCTTCATTTTTTTTTTTTTTTTTTTTTTTTNNNNNNNNNNGAGAGGGAGAGGGAGACGGGAGAGGGAGAGGGAGACGGGAGAGGGAGAGGGAGACGGGAGAGGGAGAGGGAGACC (NM_001318967.2); c.415+18_415+19insCTTCCCTTCATTTTTTTTTTTTTTTTTTTTTTTTNNNNNNNNNNGAGAGGGAGAGGGAGACGGGAGAGGGAGAGGGAGACGGGAGAGGGAGAGGGAGACGGGAGAGGGAGAGGGAGACC (NM_015636.4); c.-175+18_-175+19insCTTCCCTTCATTTTTTTTTTTTTTTTTTTTTTTTNNNNNNNNNNGAGAGGGAGAGGGAGACGGGAGAGGGAGAGGGAGACGGGAGAGGGAGAGGGAGACGGGAGAGGGAGAGGGAGACC (NM_001318969.2); c.373+18_373+19insCTTCCCTTCATTTTTTTTTTTTTTTTTTTTTTTTNNNNNNNNNNGAGAGGGAGAGGGAGACGGGAGAGGGAGAGGGAGACGGGAGAGGGAGAGGGAGACGGGAGAGGGAGAGGGAGACC (NM_001318966.2); c.478+18_478+19insCTTCCCTTCATTTTTTTTTTTTTTTTTTTTTTTTNNNNNNNNNNGAGAGGGAGAGGGAGACGGGAGAGGGAGAGGGAGACGGGAGAGGGAGAGGGAGACGGGAGAGGGAGAGGGAGACC (NM_172195.4); c.-168+88_-168+89insCTTCCCTTCATTTTTTTTTTTTTTTTTTTTTTTTNNNNNNNNNNGAGAGGGAGAGGGAGACGGGAGAGGGAGAGGGAGACGGGAGAGGGAGAGGGAGACGGGAGAGGGAGAGGGAGACC (NM_001318968.2); c.481+18_481+19insCTTCCCTTCATTTTTTTTTTTTTTTTTTTTTTTTNNNNNNNNNNGAGAGGGAGAGGGAGACGGGAGAGGGAGAGGGAGACGGGAGAGGGAGAGGGAGACGGGAGAGGGAGAGGGAGACC (NM_001318965.2).
Identifiers: ClinVar variation 2860790 (VCV002860790.3).